The following is an entry in ClinVar:

NM_006206.6(PDGFRA):c.1388C>G (p.Thr463Ser)

Gene: PDGFRA (platelet derived growth factor receptor alpha; plus strand). Cytogenetic location: 4q12.
Variant type: single nucleotide variant.
Coding change: c.1388C>G on transcript NM_006206.6 (MANE Select); coding-DNA position 1388, C replaced by G.
Protein change: p.Thr463Ser; replaces threonine 463 with serine.
Molecular consequence: missense variant.
Genome position (GRCh38, 1-based): chr4:54,273,560, C>G. VCF-style: chr4-54273560-C-G. GRCh37 (hg19) VCF-style: chr4-55139727-C-G.
Other names: c.1388C>G, p.Thr463Ser (NM_001347827.2, NM_001347829.2); c.1463C>G, p.Thr488Ser (NM_001347828.2); c.1427C>G, p.Thr476Ser (NM_001347830.2); c.1388C>G (NM_006206.5); short protein forms T463S, T476S, T488S.
Identifiers: ClinVar variation 240305 (VCV000240305.36), dbSNP rs375047532, ClinGen allele CA2922556.

ClinVar aggregate classification (germline): Conflicting classifications of pathogenicity. Review status: criteria provided, conflicting classifications (1 of 4 stars). 7 submissions from 7 submitters: Uncertain significance (3); Benign (1); Likely benign (3). Last evaluated 2026-09-19.

Conditions:
Polyps, multiple and recurrent inflammatory fibroid, gastrointestinal. Identifiers: MedGen C5193005, MONDO:0008285, OMIM 175510.
PDGFRA-related disorder. Also called: PDGFRA-related condition.
Hereditary cancer-predisposing syndrome. Also called: Neoplastic Syndromes, Hereditary; Hereditary neoplastic syndrome; Hereditary Cancer Syndrome; Tumor predisposition. Identifiers: Orphanet 140162, MedGen C0027672, MeSH D009386, MONDO:0015356.
Gastrointestinal stromal tumor. Also called: Gastrointestinal stromal tumor, somatic; Gastrointestinal stroma tumor. Identifiers: Orphanet 44890, MedGen C0238198, MeSH D046152, MONDO:0011719, OMIM 606764, HP:0100723.

Allele frequency attached by ClinVar (database versions not stated): gnomAD 0.00006 and 0.00007; TOPMed 0.00011; ESP Exome Variant Server 0.00015; gnomAD exomes 0.00018 and 0.00019; ExAC 0.00021.
gnomAD v4.1: 277 of 1,614,062 alleles (0.017%); highest among the groups gnomAD compares: Middle Eastern, 0.099%; no homozygotes.

Submissions (7):

PreventionGenetics, part of Exact Sciences
Classification: Likely benign for PDGFRA-related condition. Last evaluated: 2026-09-19. Review status: criteria provided, single submitter. Criteria: ACMG Guidelines, 2015. Collection method: clinical testing. Allele origin: germline.
Comment: This variant is classified as likely benign based on ACMG/AMP sequence variant interpretation guidelines (Richards et al. 2015 PMID: 25741868, with internal and published modifications).

Myriad Genetics, Inc.
Classification: Likely benign for Polyps, multiple and recurrent inflammatory fibroid, gastrointestinal. Last evaluated: 2026-06-15. Review status: criteria provided, single submitter. Criteria: Myriad Autosomal Dominant, Autosomal Recessive and X-Linked Classification Criteria (2023). Collection method: clinical testing. Allele origin: unknown.
Comment: This variant is considered likely benign. This variant has been observed at a population frequency that is significantly greater than expected given the associated disease prevalence and penetrance.

Labcorp Genetics (formerly Invitae), Labcorp
Classification: Likely benign for Gastrointestinal stromal tumor. Last evaluated: 2026-01-27. Review status: criteria provided, single submitter. Criteria: Invitae Variant Classification Sherloc (09022015). Collection method: clinical testing. Allele origin: germline.

GeneDx
Classification: Uncertain significance. Last evaluated: 2025-06-30. Review status: criteria provided, single submitter. Criteria: GeneDx Variant Classification Process June 2021. Collection method: clinical testing. Allele origin: germline. Affected: yes.
Comment: In silico analysis suggests that this missense variant does not alter protein structure/function; Observed in individuals from one family with melanoma and sarcoma, some of whom also carried a variant in CDKN2A (PMID: 28592523); This variant is associated with the following publications: (PMID: 28592523)

St. Jude Molecular Pathology, St. Jude Children's Research Hospital
Classification: Uncertain significance for Polyps, multiple and recurrent inflammatory fibroid, gastrointestinal. Last evaluated: 2023-07-25. Review status: criteria provided, single submitter. Criteria: St. Jude Assertion Criteria 2020. Collection method: clinical testing. Allele origin: germline.
Comment: The PDGFRA c.1388C>G (p.Thr463Ser) missense change has a maximum subpopulation frequency of 0.068% in gnomAD v2.1.1. The in silico tool REVEL predicts a benign effect on protein function, but to our knowledge this prediction has not been confirmed by functional studies. To our knowledge, this variant has not been reported in individuals with PDGFRA-related conditions. In summary, the evidence currently available is insufficient to determine the clinical significance of this variant. It has therefore been classified as of uncertain significance.

Ambry Genetics
Classification: Benign for Hereditary cancer-predisposing syndrome. Last evaluated: 2023-04-03. Review status: criteria provided, single submitter. Criteria: Ambry Variant Classification Scheme 2023. Collection method: clinical testing. Allele origin: germline.

Sema4
Classification: Uncertain significance for Hereditary cancer-predisposing syndrome. Last evaluated: 2021-12-23. Review status: criteria provided, single submitter. Criteria: Sema4 Curation Guidelines. Collection method: curation. Allele origin: germline.
Comment: The PDGFRA c.1388C>G (p.T463S) variant has been reported in heterozygosity in at least one individual with an osteosarcoma and multiple malignant melanomas who was also found to have a variant in CDKN2A (PMID: 28592523). It was observed in 49/282550 chromosomes in the large and broad cohorts of the Genome Aggregation Database (PMID: 32461654). The variant has been reported in ClinVar (Variation ID 240305). Functional studies have not been performed, and in silico predictions of the variant's effect on protein function are inconclusive. The evidence is insufficient to meet ACMG/AMP criteria for classifying the variant as benign or pathogenic. Thus, the clinical significance of this variant is currently uncertain.

Literature cited by the submitters: PubMed 28592523 (cited by Ambry Genetics and Sema4).